The following is an entry in ClinVar:

NM_017662.5(TRPM6):c.143del (p.Asn48fs)

Gene: TRPM6 (transient receptor potential cation channel subfamily M member 6; minus strand). Cytogenetic location: 9q21.13.
Variant type: Deletion.
Coding change: c.143del on transcript NM_017662.5 (MANE Select); coding-DNA position 143, one base deleted (A; older notation c.143delA).
Protein change: p.Asn48fs; shifts the reading frame from asparagine 48.
Molecular consequence: frameshift variant.
Genome position (GRCh38, 1-based): chr9:74,855,536, T deleted on the plus strand (A on the coding strand, the reverse complement: TRPM6 is on the minus strand); the first of 2 consecutive T bases (chr9:74,855,536-74,855,537); deleting either gives the same sequence. VCF-style (leftmost placement, unchanged base first): chr9-74855535-AT-A. GRCh37 (hg19) VCF-style: chr9-77470451-AT-A.
Other names: c.128del, p.Asn43fs (NM_001177310.2, NM_001177311.2); short protein forms N43fs, N48fs.
Identifiers: ClinVar variation 2257728 (VCV002257728.2), dbSNP rs2490207160, ClinGen allele CA2580080618.

ClinVar aggregate classification (germline): Pathogenic (1 of 4 stars; one submission).

Conditions:
Inborn genetic diseases. Identifiers: MedGen C0950123, MeSH D030342.

Submission:

Ambry Genetics
Classification: Pathogenic for Inborn genetic diseases. Last evaluated: 2021-12-08. Review status: criteria provided, single submitter. Criteria: Ambry Variant Classification Scheme 2023. Collection method: clinical testing. Allele origin: germline.
Comment: The c.143delA (p.N48Ifs*2) alteration, located in exon 3 (coding exon 3) of the TRPM6 gene, consists of a deletion of one nucleotide at position 143, causing a translational frameshift with a predicted alternate stop codon after 2 amino acids. This alteration is expected to result in loss of function by premature protein truncation or nonsense-mediated mRNA decay. This variant was not reported in population-based cohorts in the Genome Aggregation Database (gnomAD). Based on the available evidence, this alteration is classified as pathogenic.